The following is an entry in ClinVar:

ClinVar aggregate classification (germline): Uncertain significance (1 of 4 stars; one submission).

gnomAD v4.1: 1 of 1,613,982 alleles (0.000062%); highest among the groups gnomAD compares: Non-Finnish European, 0.000085%; no homozygotes.

Submission:

GeneDx
Classification: Uncertain significance. Last evaluated: 2025-02-27. Review status: criteria provided, single submitter. Criteria: GeneDx Variant Classification Process June 2021. Collection method: clinical testing. Allele origin: germline.
Comment: Not observed at significant frequency in large population cohorts (gnomAD); In silico analysis indicates that this missense variant does not alter protein structure/function; Has not been previously published as pathogenic or benign to our knowledge

NM_015001.3(SPEN):c.8683G>A (p.Ala2895Thr)

Gene: SPEN (spen family transcriptional repressor; plus strand). Cytogenetic location: 1p36.13.
Variant type: single nucleotide variant.
Coding change: c.8683G>A on transcript NM_015001.3 (MANE Select); coding-DNA position 8683, G replaced by A.
Protein change: p.Ala2895Thr; replaces alanine 2895 with threonine.
Molecular consequence: missense variant.
Genome position (GRCh38, 1-based): chr1:15,934,923, G>A. VCF-style: chr1-15934923-G-A. GRCh37 (hg19) VCF-style: chr1-16261418-G-A.
Other names: short protein forms A2895T.
Identifiers: ClinVar variation 3381686 (VCV003381686.2).
Genomic context (GRCh38, chr1:15,934,923, plus strand): 5'-GCAGGCTATGCGAACGTGGCCACCCATTCCACGTTGGTACTGACCGCCCAGACATATAAT[G>A]CCTCTCCTGTGATTTCGTCTGTGAAGGCCGATAGGCCATCCTTGGAGAAGCCCGAGCCCA-3'
Protein context (NP_055816.2, residues 2885-2905): TLVLTAQTYN[Ala2895Thr]SPVISSVKAD